The following is an entry in ClinVar:

ClinVar aggregate classification (germline): Benign/Likely benign. Review status: criteria provided, multiple submitters, no conflicts (2 of 4 stars). 5 submissions from 5 submitters: Benign (1); Likely benign (3). 1 of the submissions does not count toward it. Last evaluated 2026-01-30.

Conditions:
Cone-rod dystrophy 9 (CORD9). Identifiers: Orphanet 1872, MedGen C1423873, MONDO:0013002, OMIM 612775.
ADAM9-related disorder. Also called: ADAM9-related condition.

Allele frequency attached by ClinVar (database versions not stated): ESP Exome Variant Server 0.00008; gnomAD 0.00042 and 0.00059; gnomAD exomes 0.00043 and 0.00113; TOPMed 0.00071; ExAC 0.00119; 1000 Genomes Project 30x 0.00234; 1000 Genomes Project 0.00240.
gnomAD v4.1: 723 of 1,598,732 alleles (0.045%); highest among the groups gnomAD compares: East Asian, 1.3%; 4 homozygotes.

Submissions (5):

Labcorp Genetics (formerly Invitae), Labcorp
Classification: Benign. Last evaluated: 2026-01-30. Review status: criteria provided, single submitter. Criteria: Invitae Variant Classification Sherloc (09022015). Collection method: clinical testing. Allele origin: germline.

Blueprint Genetics
Classification: Likely benign. Last evaluated: 2024-07-10. Review status: criteria provided, single submitter. Criteria: ACMG Guidelines, 2015. Collection method: clinical testing. Allele origin: germline.

Illumina Laboratory Services, Illumina
Classification: Likely benign for Cone-rod dystrophy 9. Last evaluated: 2018-01-13. Review status: criteria provided, single submitter. Criteria: ICSL Variant Classification Criteria 13 December 2019. Collection method: clinical testing. Allele origin: germline.
Comment: This variant was observed in the ICSL laboratory as part of a predisposition screen in an ostensibly healthy population. It had not been previously curated by ICSL or reported in the Human Gene Mutation Database (HGMD: prior to June 1st, 2018), and was therefore a candidate for classification through an automated scoring system. Utilizing variant allele frequency, disease prevalence and penetrance estimates, and inheritance mode, an automated score was calculated to assess if this variant is too frequent to cause the disease. Based on the score and internal cut-off values, a variant classified as likely benign is not then subjected to further curation. The score for this variant resulted in a classification of likely benign for this disease.

Breakthrough Genomics
Classification: Likely benign. Review status: criteria provided, single submitter. Criteria: ACMG Guidelines, 2015. Collection method: not provided. Allele origin: germline. Inheritance: Autosomal recessive inheritance. Affected: yes.

PreventionGenetics, part of Exact Sciences
Classification: Benign for ADAM9-related condition. Last evaluated: 2019-06-21. Review status: no assertion criteria provided. Collection method: clinical testing. Allele origin: germline. Not counted in ClinVar's aggregate classification.
Comment: This variant is classified as benign based on ACMG/AMP sequence variant interpretation guidelines (Richards et al. 2015 PMID: 25741868, with internal and published modifications).

NM_003816.3(ADAM9):c.1394G>A (p.Arg465Gln)

Gene: ADAM9 (ADAM metallopeptidase domain 9; plus strand). Cytogenetic location: 8p11.22.
Variant type: single nucleotide variant.
Coding change: c.1394G>A on transcript NM_003816.3 (MANE Select); coding-DNA position 1394, G replaced by A.
Protein change: p.Arg465Gln; replaces arginine 465 with glutamine.
Molecular consequence: missense variant. On other transcripts: non-coding transcript variant (3).
Genome position (GRCh38, 1-based): chr8:39,054,572, G>A. VCF-style: chr8-39054572-G-A. GRCh37 (hg19) VCF-style: chr8-38912091-G-A.
Other names: short protein forms R465Q.
Identifiers: ClinVar variation 737760 (VCV000737760.17), dbSNP rs78001852, ClinGen allele CA4721590.